The following is an entry in ClinVar:

NM_001382273.1(TNK2):c.1528C>G (p.Leu510Val)

Gene: TNK2 (tyrosine kinase non receptor 2; minus strand). Cytogenetic location: 3q29.
Variant type: single nucleotide variant.
Coding change: c.1528C>G on transcript NM_001382273.1 (MANE Select); coding-DNA position 1528, C replaced by G.
Protein change: p.Leu510Val; replaces leucine 510 with valine.
Molecular consequence: missense variant. On other transcripts: non-coding transcript variant (15).
Genome position (GRCh38, 1-based): chr3:195,870,129, G>C on the plus strand (C>G on the coding strand, the complement: TNK2 is on the minus strand). VCF-style: chr3-195870129-G-C. GRCh37 (hg19) VCF-style: chr3-195597000-G-C.
Other names: c.1600C>G, p.Leu534Val (NM_001010938.2, NM_001382272.1, NM_001387708.1 and 1 more transcripts); c.1624C>G, p.Leu542Val (NM_001308046.2, NM_001382271.1, NM_001382275.1 and 1 more transcripts); c.1528C>G, p.Leu510Val (NM_001382274.1, NM_001386164.1, NM_001387709.1 and 12 more transcripts); short protein forms L510V, L534V, L542V.
Identifiers: ClinVar variation 1557237 (VCV001557237.33), dbSNP rs199636920, ClinGen allele CA2776312.
Genomic context (GRCh38, chr3:195,870,129, plus strand): 5'-AGTAGCCGATGAGTTAGGGACACCAGGGAGCAGAGGGGCTCTTACTTTTCACCCCTCCTA[G>C]ATGCTGGGGGGGCCGGGAGGTGCTCAGTTCCACGCTCAGGAGGTCGGGGGGGTCCATGGG-3'
Protein context (NP_001369202.1, residues 500-520): ELSTSRPPQH[Leu510Val]GGVKREPPPR

ClinVar aggregate classification (germline): Benign/Likely benign. Review status: criteria provided, multiple submitters, no conflicts (2 of 4 stars). 3 submissions from 3 submitters: Benign (2); Likely benign (1). Last evaluated 2026-04-01.

Allele frequency attached by ClinVar (database versions not stated): gnomAD 0.00232; ESP Exome Variant Server 0.00273; TOPMed 0.00281; 1000 Genomes Project 0.00300; 1000 Genomes Project 30x 0.00328.
gnomAD v4.1: 3,766 of 1,462,468 alleles (0.26%); highest among the groups gnomAD compares: Middle Eastern, 1%; 12 homozygotes.

Submissions (20):

CeGaT Center for Human Genetics Tuebingen
Classification: Likely benign. Last evaluated: 2026-04-01. Review status: criteria provided, single submitter. Criteria: CeGaT Center For Human Genetics Tuebingen Variant Classification Criteria Version 2. Collection method: clinical testing. Allele origin: germline. Affected: yes. Observed: 2 variant alleles.
Comment: TNK2: BP4

Labcorp Genetics (formerly Invitae), Labcorp
Classification: Benign. Last evaluated: 2025-11-05. Review status: criteria provided, single submitter. Criteria: Invitae Variant Classification Sherloc (09022015). Collection method: clinical testing. Allele origin: germline.

Breakthrough Genomics
Classification: Benign. Review status: criteria provided, single submitter. Criteria: ACMG Guidelines, 2015. Collection method: not provided. Allele origin: germline. Inheritance: Unknown mechanism. Affected: yes.

Dr. Peter K. Rogan Lab, Western University
No classification provided (evidence only). Condition: Clear cell carcinoma of kidney. Review status: no classification provided. Collection method: in vitro. Allele origin: not applicable. Functional consequence: retained intron. Not counted in ClinVar's aggregate classification.

Dr. Peter K. Rogan Lab, Western University
No classification provided (evidence only). Condition: Lung cancer. Review status: no classification provided. Collection method: in vitro. Allele origin: not applicable. Functional consequence: retained intron. Not counted in ClinVar's aggregate classification.

Dr. Peter K. Rogan Lab, Western University
No classification provided (evidence only). Condition: Lung cancer. Review status: no classification provided. Collection method: in vitro. Allele origin: not applicable. Functional consequence: retained intron. Not counted in ClinVar's aggregate classification.

Dr. Peter K. Rogan Lab, Western University
No classification provided (evidence only). Condition: Familial cancer of breast. Review status: no classification provided. Collection method: in vitro. Allele origin: not applicable. Functional consequence: retained intron. Not counted in ClinVar's aggregate classification.

Dr. Peter K. Rogan Lab, Western University
No classification provided (evidence only). Condition: Acute myeloid leukemia. Review status: no classification provided. Collection method: in vitro. Allele origin: not applicable. Functional consequence: retained intron. Not counted in ClinVar's aggregate classification.

Dr. Peter K. Rogan Lab, Western University
No classification provided (evidence only). Condition: Colon adenocarcinoma. Review status: no classification provided. Collection method: in vitro. Allele origin: not applicable. Functional consequence: retained intron. Not counted in ClinVar's aggregate classification.

Dr. Peter K. Rogan Lab, Western University
No classification provided (evidence only). Condition: Colon adenocarcinoma. Review status: no classification provided. Collection method: in vitro. Allele origin: not applicable. Functional consequence: retained intron. Not counted in ClinVar's aggregate classification.

Dr. Peter K. Rogan Lab, Western University
No classification provided (evidence only). Condition: Cervical cancer. Review status: no classification provided. Collection method: in vitro. Allele origin: not applicable. Functional consequence: retained intron. Not counted in ClinVar's aggregate classification.

Dr. Peter K. Rogan Lab, Western University
No classification provided (evidence only). Condition: Cervical cancer. Review status: no classification provided. Collection method: in vitro. Allele origin: not applicable. Functional consequence: retained intron. Not counted in ClinVar's aggregate classification.

Dr. Peter K. Rogan Lab, Western University
No classification provided (evidence only). Condition: Sarcoma. Review status: no classification provided. Collection method: in vitro. Allele origin: not applicable. Functional consequence: retained intron. Not counted in ClinVar's aggregate classification.

Dr. Peter K. Rogan Lab, Western University
No classification provided (evidence only). Condition: Malignant lymphoma, large B-cell, diffuse. Review status: no classification provided. Collection method: in vitro. Allele origin: not applicable. Functional consequence: retained intron. Not counted in ClinVar's aggregate classification.

Dr. Peter K. Rogan Lab, Western University
No classification provided (evidence only). Condition: Malignant lymphoma, large B-cell, diffuse. Review status: no classification provided. Collection method: in vitro. Allele origin: not applicable. Functional consequence: retained intron. Not counted in ClinVar's aggregate classification.

Dr. Peter K. Rogan Lab, Western University
No classification provided (evidence only). Condition: Ovarian serous cystadenocarcinoma. Review status: no classification provided. Collection method: in vitro. Allele origin: not applicable. Functional consequence: retained intron. Not counted in ClinVar's aggregate classification.

Dr. Peter K. Rogan Lab, Western University
No classification provided (evidence only). Condition: Ovarian serous cystadenocarcinoma. Review status: no classification provided. Collection method: in vitro. Allele origin: not applicable. Functional consequence: retained intron. Not counted in ClinVar's aggregate classification.

Dr. Peter K. Rogan Lab, Western University
No classification provided (evidence only). Condition: Ovarian serous cystadenocarcinoma. Review status: no classification provided. Collection method: in vitro. Allele origin: not applicable. Functional consequence: retained intron. Not counted in ClinVar's aggregate classification.

Dr. Peter K. Rogan Lab, Western University
No classification provided (evidence only). Condition: Ovarian serous cystadenocarcinoma. Review status: no classification provided. Collection method: in vitro. Allele origin: not applicable. Functional consequence: retained intron. Not counted in ClinVar's aggregate classification.

Dr. Peter K. Rogan Lab, Western University
No classification provided (evidence only). Condition: Uterine carcinosarcoma. Review status: no classification provided. Collection method: in vitro. Allele origin: not applicable. Functional consequence: retained intron. Not counted in ClinVar's aggregate classification.